The following is an entry in ClinVar:

ClinVar aggregate classification (germline): Pathogenic (1 of 4 stars; one submission).

Conditions:
Neurofibromatosis, type 1 (NF1). Also called: Peripheral type neurofibromatosis; VON RECKLINGHAUSEN DISEASE; Neurofibromatosis, type I; NEUROFIBROMATOSIS, TYPE I, SOMATIC. Identifiers: Orphanet 636, MedGen C0027831, MONDO:0018975, OMIM 162200. Disease mechanism: loss of function.

Submission:

Labcorp Genetics (formerly Invitae), Labcorp
Classification: Pathogenic for Neurofibromatosis, type 1. Last evaluated: 2024-04-24. Review status: criteria provided, single submitter. Criteria: Invitae Variant Classification Sherloc (09022015). Collection method: clinical testing. Allele origin: germline.
Comment: This sequence change creates a premature translational stop signal (p.Leu1045*) in the NF1 gene. It is expected to result in an absent or disrupted protein product. Loss-of-function variants in NF1 are known to be pathogenic (PMID: 10712197, 23913538). This variant is not present in population databases (gnomAD no frequency). This variant has not been reported in the literature in individuals affected with NF1-related conditions. For these reasons, this variant has been classified as Pathogenic.

Literature cited by the submitters: PubMed 10712197; PubMed 23913538.

NM_001042492.3(NF1):c.3133del (p.Tyr1044_Leu1045insTer)

Gene: NF1 (neurofibromin 1; plus strand). Cytogenetic location: 17q11.2.
Variant type: Deletion.
Coding change: c.3133del on transcript NM_001042492.3 (MANE Select); coding-DNA position 3133, one base deleted (C; older notation c.3133delC).
Protein change: p.Tyr1044_Leu1045insTer.
Molecular consequence: nonsense. On other transcripts: frameshift variant (1).
Genome position (GRCh38, 1-based): chr17:31,230,861, C deleted; the last of 2 consecutive C bases (chr17:31,230,860-31,230,861); deleting either gives the same sequence. VCF-style (leftmost placement, unchanged base first): chr17-31230859-AC-A. GRCh37 (hg19) VCF-style: chr17-29557877-AC-A.
Other names: c.3133delC, p.Leu1045Terfs (NM_000267.4).
Identifiers: ClinVar variation 3650719 (VCV003650719.2).
Genomic context (GRCh38, chr17:31,230,859, plus strand): 5'-AAAAACATTGTTTGCTGTTTCTCTTTTCTCCACCATTCTATAGGAATAAGATGGTAGAAT[AC>A]CTGACAGACTGGGTTATGGGAACATCAAACCAAGCAGCAGATGATGATGTAAAATGTCTT-3'